The following is an entry in ClinVar:

ClinVar aggregate classification (germline): Uncertain significance (1 of 4 stars; one submission).

Conditions:
MKKS-related disorder. Also called: MKKS-related disorders; MKKS-related condition.

gnomAD v4.1: 2 of 1,613,922 alleles (0.00012%); highest among the groups gnomAD compares: African/African-American, 0.0027%; no homozygotes.

Submission:

PreventionGenetics, part of Exact Sciences
Classification: Uncertain significance for MKKS-related condition. Last evaluated: 2025-11-19. Review status: criteria provided, single submitter. Criteria: ACMG Guidelines, 2015. Collection method: clinical testing. Allele origin: germline.
Comment: The MKKS c.1087C>T variant is predicted to result in the amino acid substitution p.Leu363Phe. To our knowledge, this variant has not been reported in the literature. This variant is reported in 0.0062% of alleles in individuals of African descent in gnomAD. At this time, the clinical significance of this variant is uncertain due to the absence of conclusive functional and genetic evidence.

NM_170784.3(MKKS):c.1087C>T (p.Leu363Phe)

Gene: MKKS (MKKS centrosomal shuttling protein; minus strand). Cytogenetic location: 20p12.2.
Variant type: single nucleotide variant.
Coding change: c.1087C>T on transcript NM_170784.3 (MANE Select); coding-DNA position 1087, C replaced by T.
Protein change: p.Leu363Phe; replaces leucine 363 with phenylalanine.
Molecular consequence: missense variant. On other transcripts: non-coding transcript variant (1).
Genome position (GRCh38, 1-based): chr20:10,408,702, G>A on the plus strand (C>T on the coding strand, the complement: MKKS is on the minus strand). VCF-style: chr20-10408702-G-A. GRCh37 (hg19) VCF-style: chr20-10389350-G-A.
Other names: c.1087C>T, p.Leu363Phe (NM_018848.3); short protein forms L363F.
Identifiers: ClinVar variation 4986440 (VCV004986440.1).
Genomic context (GRCh38, chr20:10,408,702, plus strand): 5'-AGGCAGTGTCATTTCTGTTGCAGAGAAGCAAGCTGCAGATTGTTGCTTCATTAGGAATAA[G>A]ATGAAAAAAATGTTTGGAGCCAAATTTTGCAGTGCACACATCTTTCACACTTCCATAACT-3'
Protein context (NP_740754.1, residues 353-373): AKFGSKHFFH[Leu363Phe]IPNEATICSL